The following is an entry in ClinVar:

NM_003743.5(NCOA1):c.3490C>T (p.Pro1164Ser)

Gene: NCOA1 (nuclear receptor coactivator 1; plus strand). Cytogenetic location: 2p23.3.
Variant type: single nucleotide variant.
Coding change: c.3490C>T on transcript NM_003743.5 (MANE Select); coding-DNA position 3490, C replaced by T.
Protein change: p.Pro1164Ser; replaces proline 1164 with serine.
Molecular consequence: missense variant.
Genome position (GRCh38, 1-based): chr2:24,741,970, C>T. VCF-style: chr2-24741970-C-T. GRCh37 (hg19) VCF-style: chr2-24964839-C-T.
Other names: c.3490C>T, p.Pro1164Ser (NM_001362950.1, NM_001362952.1, NM_001362954.1 and 3 more transcripts); short protein forms P1164S.
Identifiers: ClinVar variation 4991402 (VCV004991402.1).
Genomic context (GRCh38, chr2:24,741,970, plus strand): 5'-CTCCCTCCCTCATCTGGACTACCAGTTCAAATGGGGAACCCCCGTCTTCCTCAGGGTGCT[C>T]CACAGCAATTCCCCTATCCACCAAACTATGGTACAAATCCAGGAACCCCACCTGCTTCTA-3'
Protein context (NP_003734.3, residues 1154-1174): MGNPRLPQGA[Pro1164Ser]QQFPYPPNYG

ClinVar aggregate classification (germline): Uncertain significance (1 of 4 stars; one submission).

Conditions:
NCOA1-related disorder. Also called: NCOA1-related condition.

Submission:

PreventionGenetics, part of Exact Sciences
Classification: Uncertain significance for NCOA1-related condition. Last evaluated: 2026-05-18. Review status: criteria provided, single submitter. Criteria: ACMG Guidelines, 2015. Collection method: clinical testing. Allele origin: germline.
Comment: The NCOA1 c.3490C>T variant is predicted to result in the amino acid substitution p.Pro1164Ser. To our knowledge, this variant has not been reported in the literature or in a large population database (gnomAD), indicating this variant is rare. At this time, the clinical significance of this variant is uncertain due to the absence of conclusive functional and genetic evidence.